The following is an entry in ClinVar:

NM_024426.6(WT1):c.547G>C (p.Gly183Arg)

Genes: WT1 (WT1 transcription factor; minus strand), LOC107982234 (WT1/WT1-AS bi-directional promoter region; plus strand). Cytogenetic location: 11p13.
Variant type: single nucleotide variant.
Coding change: c.547G>C on transcript NM_024426.6 (MANE Select); coding-DNA position 547, G replaced by C.
Protein change: p.Gly183Arg; replaces glycine 183 with arginine.
Molecular consequence: missense variant. On other transcripts: non-coding transcript variant (1).
Genome position (GRCh38, 1-based): chr11:32,434,814, C>G on the plus strand (G>C on the coding strand, the complement: WT1 is on the minus strand). VCF-style: chr11-32434814-C-G. GRCh37 (hg19) VCF-style: chr11-32456360-C-G.
Other names: c.547G>C, p.Gly183Arg (NM_000378.6, NM_024424.5); short protein forms G183R.
Identifiers: ClinVar variation 934778 (VCV000934778.10), dbSNP rs1462705405, ClinGen allele CA379964704.

ClinVar aggregate classification (germline): Uncertain significance. Review status: criteria provided, multiple submitters, no conflicts (2 of 4 stars). 3 submissions from 3 submitters: Uncertain significance (3). Last evaluated 2025-06-24.

Conditions:
Wilms tumor 1 (WT1). Also called: Wilms tumor, somatic. Identifiers: Orphanet 654, MedGen CN033288, MONDO:0008679, OMIM 194070.
11p partial monosomy syndrome (WAGR). Also called: WAGR syndrome; WAGR Spectrum Disorder; CHROMOSOME 11p13 DELETION SYNDROME; WAGR Complex. Identifiers: Orphanet 893, MedGen C0206115, MONDO:0008681, OMIM 194072.
Frasier syndrome. Identifiers: Orphanet 347, MedGen C0950122, MeSH D052159, MONDO:0007635, OMIM 136680.
Drash syndrome (DDS). Also called: WILMS TUMOR AND PSEUDO- OR TRUE HERMAPHRODITISM; NEPHROPATHY, WILMS TUMOR, AND GENITAL ANOMALIES. Identifiers: Orphanet 220, MedGen C0950121, MONDO:0008682, OMIM 194080.
Inborn genetic diseases. Identifiers: MedGen C0950123, MeSH D030342.

Allele frequency attached by ClinVar (database versions not stated): TOPMed 0.00001.
gnomAD v4.1: 6 of 1,612,470 alleles (0.00037%); highest among the groups gnomAD compares: East Asian, 0.0022%; no homozygotes.

Submissions (3):

Labcorp Genetics (formerly Invitae), Labcorp
Classification: Uncertain significance for Wilms tumor 1; Drash syndrome; 11p partial monosomy syndrome; Frasier syndrome. Last evaluated: 2025-06-24. Review status: criteria provided, single submitter. Criteria: Invitae Variant Classification Sherloc (09022015). Collection method: clinical testing. Allele origin: germline.
Comment: This sequence change replaces glycine, which is neutral and non-polar, with arginine, which is basic and polar, at codon 178 of the WT1 protein (p.Gly178Arg). This variant is not present in population databases (gnomAD no frequency). This variant has not been reported in the literature in individuals affected with WT1-related conditions. ClinVar contains an entry for this variant (Variation ID: 934778). Invitae Evidence Modeling of protein sequence and biophysical properties (such as structural, functional, and spatial information, amino acid conservation, physicochemical variation, residue mobility, and thermodynamic stability) indicates that this missense variant is expected to disrupt WT1 protein function with a positive predictive value of 80%. In summary, the available evidence is currently insufficient to determine the role of this variant in disease. Therefore, it has been classified as a Variant of Uncertain Significance.

Ambry Genetics
Classification: Uncertain significance for Inborn genetic diseases. Last evaluated: 2025-03-17. Review status: criteria provided, single submitter. Criteria: Ambry Variant Classification Scheme 2023. Collection method: clinical testing. Allele origin: germline.
Comment: The p.G178R variant (also known as c.532G>C), located in coding exon 1 of the WT1 gene, results from a G to C substitution at nucleotide position 532. The glycine at codon 178 is replaced by arginine, an amino acid with dissimilar properties. This amino acid position is conserved. In addition, this alteration is predicted to be deleterious by in silico analysis. Based on the available evidence, the clinical significance of this variant remains unclear.

All of Us Research Program, National Institutes of Health
Classification: Uncertain significance for Wilms tumor 1. Last evaluated: 2023-10-02. Review status: criteria provided, single submitter. Criteria: ACMG Guidelines, 2015. Collection method: clinical testing. Allele origin: germline. Inheritance: Autosomal dominant inheritance. Observed: 1 variant allele, 1 heterozygote.
Comment: This missense variant replaces glycine with arginine at codon 178 in the WT1 protein. Computational prediction suggests that this variant may have deleterious impact on protein structure and function (internally defined REVEL score threshold >= 0.7, PMID: 27666373). To our knowledge, functional studies have not been reported for this variant. This variant has not been reported in individuals affected with WT1-related disorders in the literature. This variant has not been identified in the general population by the Genome Aggregation Database (gnomAD). The available evidence is insufficient to determine the role of this variant in disease conclusively. Therefore, this variant is classified as a Variant of Uncertain Significance.

This study involves interpretation of variants in research participants for the purpose of population health screening. Participant phenotype was not available at the time of variant classification. Additional details can be found in publication PMID: 35346344, PMCID: PMC8962531